The following is an entry in ClinVar:

NM_000135.4(FANCA):c.3847_3857del (p.Lys1283fs)

Genes: FANCA (FA complementation group A; minus strand), ZNF276 (zinc finger protein 276; plus strand). Cytogenetic location: 16q24.3.
Variant type: Deletion.
Coding change: c.3847_3857del on transcript NM_000135.4 (MANE Select); coding-DNA positions 3847 to 3857, 11 bases deleted (AAGGCTTTCCA).
Protein change: p.Lys1283fs; shifts the reading frame from lysine 1283.
Molecular consequence: frameshift variant. On other transcripts: 3 prime UTR variant (2), non-coding transcript variant (4).
Genome position (GRCh38, 1-based): chr16:89,740,071-89,740,081, TGGAAAGCCTT deleted on the plus strand (AAGGCTTTCCA on the coding strand, the reverse complement: FANCA is on the minus strand); deleting any 11 consecutive bases within chr16:89,740,071-89,740,084 gives the same sequence; the c. name uses the placement nearest the transcript's 3' end. VCF-style (leftmost placement, unchanged base first): chr16-89740070-GTGGAAAGCCTT-G. GRCh37 (hg19) VCF-style: chr16-89806478-GTGGAAAGCCTT-G.
Other names: c.3844_3854delCCAAAGGCTTT, p.Lys1283Argfs (NM_000135.2); c.3847_3857del, p.Lys1283fs (NM_001286167.3); c.*1828_*1838del (NM_001113525.2, NM_152287.4); short protein forms K1283fs.
Identifiers: ClinVar variation 974354 (VCV000974354.1), dbSNP rs2062089925, ClinGen allele CA1139664952.

ClinVar aggregate classification (germline): Pathogenic (0 of 4 stars; one submission).

Conditions:
Fanconi anemia complementation group A (FANCA). Also called: Fanconi anemia, group A; FANCA-Related Fanconi Anemia. Identifiers: Orphanet 84, MedGen C3469521, MONDO:0009215, OMIM 227650.

Submission:

Leiden Open Variation Database
Classification: Pathogenic for Fanconi anemia complementation group A. Last evaluated: 2020-02-28. Review status: no assertion criteria provided. Collection method: curation. Allele origin: germline. Affected: yes.
Comment: Curator: Arleen D. Auerbach. Submitter to LOVD: Arleen D. Auerbach.